The following is an entry in ClinVar:

NM_033641.4(COL4A6):c.750G>T (p.Met250Ile)

Gene: COL4A6 (collagen type IV alpha 6 chain; minus strand). Cytogenetic location: Xq22.3.
Variant type: single nucleotide variant.
Coding change: c.750G>T on transcript NM_033641.4 (MANE Select); coding-DNA position 750, G replaced by T.
Protein change: p.Met250Ile; replaces methionine 250 with isoleucine.
Molecular consequence: missense variant.
Genome position (GRCh38, 1-based): chrX:108,204,350, C>A on the plus strand (G>T on the coding strand, the complement: COL4A6 is on the minus strand). VCF-style: chrX-108204350-C-A. GRCh37 (hg19) VCF-style: chrX-107447580-C-A.
Other names: c.750G>T, p.Met250Ile (NM_001287758.2, NM_001287759.2, NM_001287760.2); c.753G>T, p.Met251Ile (NM_001847.4); short protein forms M251I, M250I.
Identifiers: ClinVar variation 2001784 (VCV002001784.4), dbSNP rs2035480154, ClinGen allele CA413902887.
Genomic context (GRCh38, chrX:108,204,350, plus strand): 5'-AATTTTTTCCTATTCTTAAATGTTCACTACCTTGGATCCTTTCTTCCCTTTGGGGAATCC[C>A]ATGAATTCCAGCTCTCCAGTAGATGGTGGAGGTCCTGCTGGGCCAGGGAGGCCAACATCC-3'
Protein context (NP_378667.1, residues 240-260): PPPSTGELEF[Met250Ile]GFPKGKKGSK

ClinVar aggregate classification (germline): Uncertain significance (1 of 4 stars; one submission).

Submission:

Labcorp Genetics (formerly Invitae), Labcorp
Classification: Uncertain significance. Last evaluated: 2022-06-03. Review status: criteria provided, single submitter. Criteria: Invitae Variant Classification Sherloc (09022015). Collection method: clinical testing. Allele origin: germline.
Comment: This variant has not been reported in the literature in individuals affected with COL4A6-related conditions. Algorithms developed to predict the effect of missense changes on protein structure and function are either unavailable or do not agree on the potential impact of this missense change (SIFT: "Deleterious"; PolyPhen-2: "Not Available"; Align-GVGD: "Class C0"). In summary, the available evidence is currently insufficient to determine the role of this variant in disease. Therefore, it has been classified as a Variant of Uncertain Significance. This variant is not present in population databases (gnomAD no frequency). This sequence change replaces methionine, which is neutral and non-polar, with isoleucine, which is neutral and non-polar, at codon 251 of the COL4A6 protein (p.Met251Ile).